The following is an entry in ClinVar:

NM_020163.3(SEMA3G):c.206G>T (p.Arg69Leu)

Gene: SEMA3G (semaphorin 3G; minus strand). Cytogenetic location: 3p21.1.
Variant type: single nucleotide variant.
Coding change: c.206G>T on transcript NM_020163.3 (MANE Select); coding-DNA position 206, G replaced by T.
Protein change: p.Arg69Leu; replaces arginine 69 with leucine.
Molecular consequence: missense variant.
Genome position (GRCh38, 1-based): chr3:52,442,817, C>A on the plus strand (G>T on the coding strand, the complement: SEMA3G is on the minus strand). VCF-style: chr3-52442817-C-A. GRCh37 (hg19) VCF-style: chr3-52476833-C-A.
Other names: short protein forms R69L.
Identifiers: ClinVar variation 2636265 (VCV002636265.1), dbSNP rs776794855, ClinGen allele CA353159037.

ClinVar aggregate classification (germline): Uncertain significance (1 of 4 stars; one submission).

Conditions:
SEMA3G-related disorder. Also called: SEMA3G-related condition.

Submission:

PreventionGenetics, part of Exact Sciences
Classification: Uncertain significance for SEMA3G-related condition. Last evaluated: 2023-07-18. Review status: criteria provided, single submitter. Criteria: ACMG Guidelines, 2015. Collection method: clinical testing. Allele origin: germline.
Comment: The SEMA3G c.206G>T variant is predicted to result in the amino acid substitution p.Arg69Leu. To our knowledge, this variant has not been reported in the literature or in a large population database, indicating this variant is rare. At this time, the clinical significance of this variant is uncertain due to the absence of conclusive functional and genetic evidence.